The following is an entry in ClinVar:

NM_001291303.3(FAT4):c.8903A>G (p.Glu2968Gly)

Gene: FAT4 (FAT atypical cadherin 4; plus strand). Cytogenetic location: 4q28.1.
Variant type: single nucleotide variant.
Coding change: c.8903A>G on transcript NM_001291303.3 (MANE Select); coding-DNA position 8903, A replaced by G.
Protein change: p.Glu2968Gly; replaces glutamic acid 2968 with glycine.
Molecular consequence: missense variant.
Genome position (GRCh38, 1-based): chr4:125,449,913, A>G. VCF-style: chr4-125449913-A-G. GRCh37 (hg19) VCF-style: chr4-126371068-A-G.
Other names: c.8903A>G, p.Glu2968Gly (NM_001291285.3); c.8897A>G, p.Glu2966Gly (NM_024582.6); short protein forms E2966G, E2968G.
Identifiers: ClinVar variation 1440423 (VCV001440423.7), dbSNP rs2126058765, ClinGen allele CA358148304.
Genomic context (GRCh38, chr4:125,449,913, plus strand): 5'-TCAACAGGCATAGTTTTATAGTGACATCTTCAGATCGAGGTAAACCTTCCTTAATTAGTG[A>G]GACAACAGTTACCATCAATATAGTGGACAGTAATGACAATGCACCTCAATTTCTTAAAAG-3'
Protein context (NP_001278232.1, residues 2958-2978): SDRGKPSLIS[Glu2968Gly]TTVTINIVDS

ClinVar aggregate classification (germline): Uncertain significance. Review status: criteria provided, multiple submitters, no conflicts (2 of 4 stars). 2 submissions from 2 submitters: Uncertain significance (2). Last evaluated 2026-03-03.

Allele frequency attached by ClinVar (database versions not stated): gnomAD exomes below 0.00001.
gnomAD v4.1: 2 of 1,613,952 alleles (0.00012%); highest among the groups gnomAD compares: African/African-American, 0.0027%; no homozygotes.

Submissions (2):

Women's Health and Genetics/Laboratory Corporation of America, LabCorp
Classification: Uncertain significance. Last evaluated: 2026-03-03. Review status: criteria provided, single submitter. Criteria: LabCorp Variant Classification Summary - May 2015. Collection method: clinical testing. Allele origin: germline.
Comment: Variant summary: FAT4 c.8897A>G (p.Glu2966Gly) results in a non-conservative amino acid change in the encoded protein sequence. Algorithms developed to predict the effect of missense changes on protein structure and function are either unavailable or do not agree on the potential impact of this missense change. The variant was absent in 250590 control chromosomes. The available data on variant occurrences in the general population are insufficient to allow any conclusion about variant significance. To our knowledge, no occurrence of c.8897A>G in individuals affected with FAT4-related conditions and no experimental evidence demonstrating its impact on protein function have been reported. ClinVar contains an entry for this variant (Variation ID: 1440423). Based on the evidence outlined above, the variant was classified as uncertain significance.

Labcorp Genetics (formerly Invitae), Labcorp
Classification: Uncertain significance. Last evaluated: 2020-10-30. Review status: criteria provided, single submitter. Criteria: Invitae Variant Classification Sherloc (09022015). Collection method: clinical testing. Allele origin: germline.
Comment: In summary, the available evidence is currently insufficient to determine the role of this variant in disease. Therefore, it has been classified as a Variant of Uncertain Significance. Advanced modeling of protein sequence and biophysical properties (such as structural, functional, and spatial information, amino acid conservation, physicochemical variation, residue mobility, and thermodynamic stability) performed at Invitae indicates that this missense variant is not expected to disrupt FAT4 protein function. This variant has not been reported in the literature in individuals with FAT4-related conditions. This variant is not present in population databases (ExAC no frequency). This sequence change replaces glutamic acid with glycine at codon 2966 of the FAT4 protein (p.Glu2966Gly). The glutamic acid residue is highly conserved and there is a moderate physicochemical difference between glutamic acid and glycine.